The following is an entry in ClinVar:

ClinVar aggregate classification (germline): Uncertain significance (1 of 4 stars; one submission).

Submission:

GeneDx
Classification: Uncertain significance. Last evaluated: 2025-08-07. Review status: criteria provided, single submitter. Criteria: GeneDx Variant Classification Process June 2021. Collection method: clinical testing. Allele origin: germline. Affected: yes.
Comment: Not observed at significant frequency in large population cohorts (gnomAD); In silico analysis suggests that this missense variant does not alter protein structure/function; Has not been previously published as pathogenic or benign to our knowledge

NM_001161352.2(KCNMA1):c.667G>T (p.Val223Leu)

Gene: KCNMA1 (potassium calcium-activated channel subfamily M alpha 1; minus strand). Cytogenetic location: 10q22.3.
Variant type: single nucleotide variant.
Coding change: c.667G>T on transcript NM_001161352.2 (MANE Select); coding-DNA position 667, G replaced by T.
Protein change: p.Val223Leu; replaces valine 223 with leucine.
Molecular consequence: missense variant.
Genome position (GRCh38, 1-based): chr10:77,184,852, C>A on the plus strand (G>T on the coding strand, the complement: KCNMA1 is on the minus strand). VCF-style: chr10-77184852-C-A. GRCh37 (hg19) VCF-style: chr10-78944610-C-A.
Other names: c.667G>T, p.Val223Leu (NM_001322829.2, NM_001322830.2, NM_001322832.2 and 9 more transcripts); c.127G>T, p.Val43Leu (NM_001322838.2); c.799G>T, p.Val267Leu (NM_001437422.1); c.505G>T, p.Val169Leu (NM_001271518.2); short protein forms V169L, V223L, V267L, V43L.
Identifiers: ClinVar variation 4755952 (VCV004755952.1).